The following is an entry in ClinVar:

NM_015015.3(KDM4B):c.2476G>A (p.Glu826Lys)

Gene: KDM4B (lysine demethylase 4B; plus strand). Cytogenetic location: 19p13.3.
Variant type: single nucleotide variant.
Coding change: c.2476G>A on transcript NM_015015.3 (MANE Select); coding-DNA position 2476, G replaced by A.
Protein change: p.Glu826Lys; replaces glutamic acid 826 with lysine.
Molecular consequence: missense variant.
Genome position (GRCh38, 1-based): chr19:5,137,996, G>A. VCF-style: chr19-5137996-G-A. GRCh37 (hg19) VCF-style: chr19-5138007-G-A.
Other names: c.2578G>A, p.Glu860Lys (NM_001411148.1); short protein forms E826K, E860K.
Identifiers: ClinVar variation 3360758 (VCV003360758.1).

ClinVar aggregate classification (germline): Uncertain significance (1 of 4 stars; one submission).

Submission:

GeneDx
Classification: Uncertain significance. Last evaluated: 2023-06-30. Review status: criteria provided, single submitter. Criteria: GeneDx Variant Classification Process June 2021. Collection method: clinical testing. Allele origin: germline. Affected: yes.
Comment: Not observed at significant frequency in large population cohorts (gnomAD); In silico analysis supports that this missense variant has a deleterious effect on protein structure/function; Has not been previously published as pathogenic or benign to our knowledge